The following is an entry in ClinVar:

NM_020971.3(SPTBN4):c.1912G>A (p.Ala638Thr)

Gene: SPTBN4 (spectrin beta, non-erythrocytic 4; plus strand). Cytogenetic location: 19q13.2.
Variant type: single nucleotide variant.
Coding change: c.1912G>A on transcript NM_020971.3 (MANE Select); coding-DNA position 1912, G replaced by A.
Protein change: p.Ala638Thr; replaces alanine 638 with threonine.
Molecular consequence: missense variant.
Genome position (GRCh38, 1-based): chr19:40,512,701, G>A. VCF-style: chr19-40512701-G-A. GRCh37 (hg19) VCF-style: chr19-41018608-G-A.
Other names: short protein forms A638T.
Identifiers: ClinVar variation 2412853 (VCV002412853.40), dbSNP rs781131510, ClinGen allele CA9445810.

ClinVar aggregate classification (germline): Uncertain significance (1 of 4 stars; one submission).

Allele frequency attached by ClinVar (database versions not stated): gnomAD 0.00001; gnomAD exomes 0.00001; TOPMed 0.00002.
gnomAD v4.1: 11 of 1,527,218 alleles (0.00072%); highest among the groups gnomAD compares: East Asian, 0.023%; no homozygotes.

Submission:

GeneDx
Classification: Uncertain significance. Last evaluated: 2022-07-27. Review status: criteria provided, single submitter. Criteria: GeneDx Variant Classification Process June 2021. Collection method: clinical testing. Allele origin: germline. Affected: yes.
Comment: In silico analysis supports that this missense variant does not alter protein structure/function; Has not been previously published as pathogenic or benign to our knowledge